The following is an entry in ClinVar:

NM_004092.4(ECHS1):c.31_32delinsTCTCCTGCGC (p.Val11fs)

Genes: ECHS1 (enoyl-CoA hydratase, short chain 1; minus strand), LOC130005023 (ATAC-STARR-seq lymphoblastoid silent region 2977; plus strand). Cytogenetic location: 10q26.3.
Variant type: Indel.
Coding change: c.31_32delinsTCTCCTGCGC on transcript NM_004092.4 (MANE Select); coding-DNA positions 31 to 32, GT replaced by TCTCCTGCGC.
Protein change: p.Val11fs; shifts the reading frame from valine 11.
Molecular consequence: frameshift variant.
Genome position (GRCh38, 1-based): chr10:133,373,302-133,373,303, AC replaced by GCGCAGGAGA on the plus strand (GT replaced by TCTCCTGCGC on the coding strand, the reverse complement: ECHS1 is on the minus strand). VCF-style: chr10-133373302-AC-GCGCAGGAGA. GRCh37 (hg19) VCF-style: chr10-135186806-AC-GCGCAGGAGA.
Other names: short protein forms V11fs.
Identifiers: ClinVar variation 5007686 (VCV005007686.2).

ClinVar aggregate classification (germline): Likely pathogenic (1 of 4 stars; one submission).

Conditions:
Mitochondrial short-chain Enoyl-Coa hydratase 1 deficiency. Also called: ECHS1 deficiency; Mitochondrial Short-Chain Enoyl-CoA Hydratase Deficiency; PxMD-ECHS1. Identifiers: Orphanet 255241, Orphanet 653880, MedGen C4225391, MONDO:0014563, OMIM 616277.

Submission:

Juno Genomics, Hangzhou Juno Genomics, Inc
Classification: Likely pathogenic for Mitochondrial short-chain Enoyl-Coa hydratase 1 deficiency. Review status: criteria provided, single submitter. Criteria: ACMG Guidelines, 2015. Collection method: clinical testing. Allele origin: germline.
Comment: Null variant in a gene where loss of function (LOF) is a known mechanism of disease.;Absent from controls (or at extremely low frequency if recessive) in Genome Aggregation Database.